The following is an entry in ClinVar:

NM_201384.3(PLEC):c.5006C>T (p.Ala1669Val)

Gene: PLEC (plectin; minus strand). Cytogenetic location: 8q24.3.
Variant type: single nucleotide variant.
Coding change: c.5006C>T on transcript NM_201384.3 (MANE Select); coding-DNA position 5006, C replaced by T.
Protein change: p.Ala1669Val; replaces alanine 1669 with valine.
Molecular consequence: missense variant.
Genome position (GRCh38, 1-based): chr8:143,924,923, G>A on the plus strand (C>T on the coding strand, the complement: PLEC is on the minus strand). VCF-style: chr8-143924923-G-A. GRCh37 (hg19) VCF-style: chr8-144999091-G-A.
Other names: c.5087C>T, p.Ala1696Val (NM_000445.5); c.4964C>T, p.Ala1655Val (NM_201378.4); c.4940C>T, p.Ala1647Val (NM_201379.3); c.5417C>T, p.Ala1806Val (NM_201380.4); c.4910C>T, p.Ala1637Val (NM_201381.3); c.5006C>T, p.Ala1669Val (NM_201382.4); c.5018C>T, p.Ala1673Val (NM_201383.3); short protein forms A1655V, A1806V, A1647V, A1669V, A1673V, A1637V, A1696V.
Identifiers: ClinVar variation 538960 (VCV000538960.9), dbSNP rs782557094, ClinGen allele CA4926468.
Genomic context (GRCh38, chr8:143,924,923, plus strand): 5'-AGCTCCCGCTGCCGGACGGCCTGCTCCTCCGCCTTGCCGCGCCGCCGCGCCTCGCGCTCC[G>A]CCTCCTCCTTCTGCTTCTCAGCCTCGGCCTGCGCCAGGCTCTTCTGCTGCGCCACCTCCT-3'
Protein context (NP_958786.1, residues 1659-1679): QAEAEKQKEE[Ala1669Val]EREARRRGKA

ClinVar aggregate classification (germline): Uncertain significance (1 of 4 stars; one submission).

Conditions:
Epidermolysis bullosa simplex with nail dystrophy (EBS5D). Identifiers: MedGen C4225309, MONDO:0014661, OMIM 616487.
Epidermolysis bullosa simplex 5B, with muscular dystrophy (EBS5B). Also called: EPIDERMOLYSIS BULLOSA SIMPLEX AND LIMB-GIRDLE MUSCULAR DYSTROPHY; Epidermolysis bullosa simplex with muscular dystrophy. Identifiers: Orphanet 257, MedGen C2931072, MONDO:0009181, OMIM 226670.
Epidermolysis bullosa simplex, Ogna type (EBS5A). Also called: Pidermolysis bullosa simplex 5A, Ogna type; EPIDERMOLYSIS BULLOSA SIMPLEX 5A, OGNA TYPE. Identifiers: Orphanet 79401, MedGen C0432317, MONDO:0007555, OMIM 131950.
Autosomal recessive limb-girdle muscular dystrophy type 2Q (LGMDR17). Also called: MUSCULAR DYSTROPHY, LIMB-GIRDLE, AUTOSOMAL RECESSIVE 17. Identifiers: Orphanet 254361, MedGen C3150989, MONDO:0013390, OMIM 613723.
Epidermolysis bullosa simplex 5C, with pyloric atresia (EBS5C). Also called: PLEC-Related Epidermolysis Bullosa with Pyloric Atresia; Epidermolysis bullosa simplex with pyloric atresia; PLEC1-Related Epidermolysis Bullosa with Pyloric Atresia. Identifiers: Orphanet 158684, MedGen C2677349, MONDO:0012807, OMIM 612138.

Allele frequency attached by ClinVar (database versions not stated): gnomAD 0.00001 and 0.00002; gnomAD exomes 0.00001 and 0.00002; TOPMed 0.00002; ExAC 0.00006.

Submission:

Labcorp Genetics (formerly Invitae), Labcorp
Classification: Uncertain significance for Autosomal recessive limb-girdle muscular dystrophy type 2Q; Epidermolysis bullosa simplex, Ogna type; Epidermolysis bullosa simplex with nail dystrophy; Epidermolysis bullosa simplex 5C, with pyloric atresia; Epidermolysis bullosa simplex 5B, with muscular dystrophy. Last evaluated: 2025-05-17. Review status: criteria provided, single submitter. Criteria: Invitae Variant Classification Sherloc (09022015). Collection method: clinical testing. Allele origin: germline.
Comment: This sequence change replaces alanine, which is neutral and non-polar, with valine, which is neutral and non-polar, at codon 1696 of the PLEC protein (p.Ala1696Val). The frequency data for this variant in the population databases is considered unreliable, as metrics indicate poor data quality at this position in the gnomAD database. This variant has not been reported in the literature in individuals affected with PLEC-related conditions. ClinVar contains an entry for this variant (Variation ID: 538960). Experimental studies and prediction algorithms are not available or were not evaluated, and the functional significance of this variant is currently unknown. In summary, the available evidence is currently insufficient to determine the role of this variant in disease. Therefore, it has been classified as a Variant of Uncertain Significance.